The following is an entry in ClinVar:

NM_004629.2(FANCG):c.1795del (p.Trp599fs)

Gene: FANCG (FA complementation group G; minus strand). Cytogenetic location: 9p13.3.
Variant type: Deletion.
Coding change: c.1795del on transcript NM_004629.2 (MANE Select); coding-DNA position 1795, one base deleted (T; older notation c.1795delT).
Protein change: p.Trp599fs; shifts the reading frame from tryptophan 599.
Molecular consequence: frameshift variant.
Genome position (GRCh38, 1-based): chr9:35,074,182, A deleted on the plus strand (T on the coding strand, the reverse complement: FANCG is on the minus strand). VCF-style (leftmost placement, unchanged base first): chr9-35074181-CA-C. GRCh37 (hg19) VCF-style: chr9-35074178-CA-C.
Other names: short protein forms W599fs.
Identifiers: ClinVar variation 2627203 (VCV002627203.1), dbSNP rs2490392651, ClinGen allele CA2582341990.

ClinVar aggregate classification (germline): Uncertain significance (1 of 4 stars; one submission).

Submission:

Women's Health and Genetics/Laboratory Corporation of America, LabCorp
Classification: Uncertain significance. Last evaluated: 2023-09-01. Review status: criteria provided, single submitter. Criteria: LabCorp Variant Classification Summary - May 2015. Collection method: clinical testing. Allele origin: germline.
Comment: Variant summary: FANCG c.1795delT (p.Trp599GlyfsX52) causes a frameshift which alters the last 24 amino acids and results in an extension of the protein. The variant was absent in 251466 control chromosomes (gnomAD). The available data on variant occurrences in the general population are insufficient to allow any conclusion about variant significance. To our knowledge, no occurrence of c.1795delT in individuals affected with Fanconi Anemia and no experimental evidence demonstrating its impact on protein function have been reported. No submitters have cited clinical-significance assessments for this variant to ClinVar after 2014. Based on the evidence outlined above, the variant was classified as uncertain significance.